The following is an entry in ClinVar:

ClinVar aggregate classification (germline): Uncertain significance (1 of 4 stars; one submission).

Allele frequency attached by ClinVar (database versions not stated): TOPMed 0.00001; ExAC 0.00002; gnomAD exomes 0.00002; gnomAD 0.00003.
gnomAD v4.1: 35 of 1,613,920 alleles (0.0022%); highest among the groups gnomAD compares: South Asian, 0.026%; 1 homozygote.

Submission:

Labcorp Genetics (formerly Invitae), Labcorp
Classification: Uncertain significance. Last evaluated: 2022-04-28. Review status: criteria provided, single submitter. Criteria: Invitae Variant Classification Sherloc (09022015). Collection method: clinical testing. Allele origin: germline.
Comment: This sequence change replaces arginine, which is basic and polar, with tryptophan, which is neutral and slightly polar, at codon 22 of the COX6A1 protein (p.Arg22Trp). This variant is present in population databases (rs759518079, gnomAD 0.01%). This variant has not been reported in the literature in individuals affected with COX6A1-related conditions. Algorithms developed to predict the effect of missense changes on protein structure and function output the following: SIFT: "Tolerated"; PolyPhen-2: "Benign"; Align-GVGD: "Class C0". The tryptophan amino acid residue is found in multiple mammalian species, which suggests that this missense change does not adversely affect protein function. In summary, the available evidence is currently insufficient to determine the role of this variant in disease. Therefore, it has been classified as a Variant of Uncertain Significance.

NM_004373.4(COX6A1):c.64C>T (p.Arg22Trp)

Gene: COX6A1 (cytochrome c oxidase subunit 6A1; plus strand). Cytogenetic location: 12q24.31.
Variant type: single nucleotide variant.
Coding change: c.64C>T on transcript NM_004373.4 (MANE Select); coding-DNA position 64, C replaced by T.
Protein change: p.Arg22Trp; replaces arginine 22 with tryptophan.
Molecular consequence: missense variant.
Genome position (GRCh38, 1-based): chr12:120,438,190, C>T. VCF-style: chr12-120438190-C-T. GRCh37 (hg19) VCF-style: chr12-120875993-C-T.
Other names: short protein forms R22W.
Identifiers: ClinVar variation 1909573 (VCV001909573.3), dbSNP rs759518079, ClinGen allele CA6827971.
Genomic context (GRCh38, chr12:120,438,190, plus strand): 5'-GCGGTAGTTGGTGTGTCCTCGGTTTCTCGGCTGCTGGGTCGGTCCCGCCCACAGCTGGGG[C>T]GGCCTATGTCGAGTGGCGCCCATGGCGAAGAGGGCTCAGGTACTGGGGCCGGGGTCGACG-3'
Protein context (NP_004364.2, residues 12-32): LLGRSRPQLG[Arg22Trp]PMSSGAHGEE